The following is an entry in ClinVar:

NM_000501.4(ELN):c.1484T>G (p.Val495Gly)

Genes: ELN (elastin; plus strand), ELN-AS1 (ELN antisense RNA 1; minus strand). Cytogenetic location: 7q11.23.
Variant type: single nucleotide variant.
Coding change: c.1484T>G on transcript NM_000501.4 (MANE Select); coding-DNA position 1484, T replaced by G.
Protein change: p.Val495Gly; replaces valine 495 with glycine.
Molecular consequence: missense variant.
Genome position (GRCh38, 1-based): chr7:74,059,955, T>G. VCF-style: chr7-74059955-T-G. GRCh37 (hg19) VCF-style: chr7-73474285-T-G.
Other names: c.1397T>G, p.Val466Gly (NM_001081752.3); c.1442T>G, p.Val481Gly (NM_001081753.3); c.1499T>G, p.Val500Gly (NM_001081754.3); c.1427T>G, p.Val476Gly (NM_001081755.3); c.1484T>G, p.Val495Gly (NM_001278912.2); c.1241T>G, p.Val414Gly (NM_001278913.2); c.1412T>G, p.Val471Gly (NM_001278914.2); c.1502T>G, p.Val501Gly (NM_001278915.2); and 4 more; short protein forms V406G, V414G, V462G, V466G, V471G, V476G, V481G, V485G.
Identifiers: ClinVar variation 1805270 (VCV001805270.1), dbSNP rs1563852782, ClinGen allele CA367885001.

ClinVar aggregate classification (germline): Uncertain significance (1 of 4 stars; one submission).

Conditions:
Cutis laxa, autosomal dominant 1 (ADCL1). Also called: ELN-Related Cutis Laxa. Identifiers: Orphanet 90348, MedGen C3276539, MONDO:0007411, OMIM 123700. Disease mechanism: Dominant Negative.

Submission:

Victorian Clinical Genetics Services, Murdoch Childrens Research Institute
Classification: Uncertain significance for Cutis laxa, autosomal dominant 1. Last evaluated: 2022-02-02. Review status: criteria provided, single submitter. Criteria: ACMG Guidelines, 2015. Collection method: clinical testing. Allele origin: germline. Inheritance: Autosomal dominant inheritance. Affected: yes.
Comment: Based on the classification scheme VCGS_Germline_v1.3.4, this variant is classified as VUS-3B. Following criteria are met: 0102 - Loss of function is a known mechanism of disease in this gene and is associated with supravalvar aortic stenosis (MIM#185500). Dominant negative is a suggested mechanism of disease for cutis laxa (MIM#123700; PMID: 29501665). (I) 0107 - This gene is associated with autosomal dominant disease. (I) 0115 - Variants in this gene are known to have variable expressivity (PMID: 31577255). (I) 0200 - Variant is predicted to result in a missense amino acid change from valine to glycine. (I) 0251 - This variant is heterozygous. (I) 0301 - Variant is absent from gnomAD (both v2 and v3). (SP) 0309 - An alternative amino acid change at the same position has been observed in gnomAD (v2; 1 heterozygote, 0 homozygotes). (I) 0502 - Missense variant with conflicting in silico predictions and uninformative conservation. (I) 0604 - Variant is not located in an established domain, motif, hotspot or informative constraint region. (I) 0705 - No comparable missense variants have previous evidence for pathogenicity. (I) 0807 - This variant has no previous evidence of pathogenicity. (I) 0905 - No published segregation evidence has been identified for this variant. (I) 1007 - No published functional evidence has been identified for this variant. (I) 1208 - Inheritance information for this variant is not currently available in this individual. (I) Legend: (SP) - Supporting pathogenic, (I) - Information, (SB) - Supporting benign

Literature cited by the submitters: PubMed 29501665; PubMed 31577255.